The following is an entry in ClinVar:

ClinVar aggregate classification (germline): Uncertain significance (1 of 4 stars; one submission).

Conditions:
Cone-rod dystrophy 6 (CORD6). Also called: RETINAL CONE DYSTROPHY 2; Cone dystrophy progressive. Identifiers: Orphanet 1872, MedGen C1866293, MONDO:0011143, OMIM 601777.
Leber congenital amaurosis 1 (LCA1). Also called: Congenital absence of the rods and cones; Leber's congenital tapetoretinal degeneration; Leber's congenital tapetoretinal dysplasia; RETINAL BLINDNESS, CONGENITAL; AMAUROSIS CONGENITA OF LEBER I. Identifiers: Orphanet 65, MedGen C2931258, MONDO:0008764, OMIM 204000.

gnomAD v4.1: 3 of 1,613,242 alleles (0.00019%); highest among the groups gnomAD compares: African/African-American, 0.0027%; no homozygotes.

Submission:

Labcorp Genetics (formerly Invitae), Labcorp
Classification: Uncertain significance for Leber congenital amaurosis 1; Cone-rod dystrophy 6. Last evaluated: 2022-04-25. Review status: criteria provided, single submitter. Criteria: Invitae Variant Classification Sherloc (09022015). Collection method: clinical testing. Allele origin: germline.
Comment: This sequence change replaces alanine, which is neutral and non-polar, with glycine, which is neutral and non-polar, at codon 410 of the GUCY2D protein (p.Ala410Gly). This variant is present in population databases (no rsID available, gnomAD 0.003%). This variant has not been reported in the literature in individuals affected with GUCY2D-related conditions. Algorithms developed to predict the effect of missense changes on protein structure and function (SIFT, PolyPhen-2, Align-GVGD) all suggest that this variant is likely to be tolerated. In summary, the available evidence is currently insufficient to determine the role of this variant in disease. Therefore, it has been classified as a Variant of Uncertain Significance.

NM_000180.4(GUCY2D):c.1229C>G (p.Ala410Gly)

Gene: GUCY2D (guanylate cyclase 2D, retinal; plus strand). Cytogenetic location: 17p13.1.
Variant type: single nucleotide variant.
Coding change: c.1229C>G on transcript NM_000180.4 (MANE Select); coding-DNA position 1229, C replaced by G.
Protein change: p.Ala410Gly; replaces alanine 410 with glycine.
Molecular consequence: missense variant.
Genome position (GRCh38, 1-based): chr17:8,006,565, C>G. VCF-style: chr17-8006565-C-G. GRCh37 (hg19) VCF-style: chr17-7909883-C-G.
Other names: short protein forms A410G.
Identifiers: ClinVar variation 1976604 (VCV001976604.5), dbSNP rs773030462, ClinGen allele CA397948003.